The following is an entry in ClinVar:

ClinVar aggregate classification (germline): Uncertain significance (1 of 4 stars; one submission).

gnomAD v4.1: 3 of 1,533,838 alleles (0.0002%); highest among the groups gnomAD compares: African/African-American, 0.0027%; no homozygotes.

Submission:

GeneDx
Classification: Uncertain significance. Last evaluated: 2024-01-28. Review status: criteria provided, single submitter. Criteria: GeneDx Variant Classification Process June 2021. Collection method: clinical testing. Allele origin: germline. Affected: yes.
Comment: Not observed at significant frequency in large population cohorts (gnomAD); Has not been previously published as pathogenic or benign to our knowledge; Reported using an alternate transcript of the gene

NM_001301071.2(DOK7):c.1798C>G (p.Leu600Val)

Gene: DOK7 (docking protein 7; plus strand). Cytogenetic location: 4p16.3.
Variant type: single nucleotide variant.
Coding change: c.1798C>G on transcript NM_001301071.2; coding-DNA position 1798, C replaced by G.
Protein change: p.Leu600Val; replaces leucine 600 with valine.
Molecular consequence: missense variant.
Genome position (GRCh38, 1-based): chr4:3,500,796, C>G. VCF-style: chr4-3500796-C-G. GRCh37 (hg19) VCF-style: chr4-3502523-C-G.
Other names: c.1366C>G, p.Leu456Val (NM_001363811.2); short protein forms L456V, L600V.
Identifiers: ClinVar variation 3368266 (VCV003368266.1).